The following is an entry in ClinVar:

NM_020937.4(FANCM):c.1708C>T (p.Leu570Phe)

Gene: FANCM (FA complementation group M; plus strand). Cytogenetic location: 14q21.2.
Variant type: single nucleotide variant.
Coding change: c.1708C>T on transcript NM_020937.4 (MANE Select); coding-DNA position 1708, C replaced by T.
Protein change: p.Leu570Phe; replaces leucine 570 with phenylalanine.
Molecular consequence: missense variant.
Genome position (GRCh38, 1-based): chr14:45,164,485, C>T. VCF-style: chr14-45164485-C-T. GRCh37 (hg19) VCF-style: chr14-45633688-C-T.
Other names: c.1630C>T, p.Leu544Phe (NM_001308133.2); c.1708C>T, p.Leu570Phe (NM_001308134.2); short protein forms L544F, L570F.
Identifiers: ClinVar variation 1313218 (VCV001313218.8), dbSNP rs1473955115, ClinGen allele CA389593954.
Genomic context (GRCh38, chr14:45,164,485, plus strand): 5'-TTGGATATAGGAGAAGTTGATCTTATAATATGTTTTGATTCCCAGAAGAGCCCAATTCGT[C>T]TTGTACAACGAATGGGTAGAACTGGCCGTAAACGTCAAGGCAGGATAGTTATTATCCTTT-3'
Protein context (NP_065988.1, residues 560-580): CFDSQKSPIR[Leu570Phe]VQRMGRTGRK

ClinVar aggregate classification (germline): Uncertain significance. Review status: criteria provided, multiple submitters, no conflicts (2 of 4 stars). 2 submissions from 2 submitters: Uncertain significance (2). Last evaluated 2023-03-17.

Conditions:
Fanconi anemia (FA). Also called: Fanconi's anemia. Identifiers: Orphanet 84, MedGen C0015625, MeSH D005199, MONDO:0019391.

Allele frequency attached by ClinVar (database versions not stated): TOPMed below 0.00001; gnomAD 0.00001.

Submissions (2):

Labcorp Genetics (formerly Invitae), Labcorp
Classification: Uncertain significance for Fanconi anemia. Last evaluated: 2023-03-17. Review status: criteria provided, single submitter. Criteria: Invitae Variant Classification Sherloc (09022015). Collection method: clinical testing. Allele origin: germline.
Comment: In summary, the available evidence is currently insufficient to determine the role of this variant in disease. Therefore, it has been classified as a Variant of Uncertain Significance. An algorithm developed to predict the effect of missense changes on protein structure and function (PolyPhen-2) suggests that this variant is likely to be disruptive. ClinVar contains an entry for this variant (Variation ID: 1313218). This variant has not been reported in the literature in individuals affected with FANCM-related conditions. This variant is not present in population databases (gnomAD no frequency). This sequence change replaces leucine, which is neutral and non-polar, with phenylalanine, which is neutral and non-polar, at codon 570 of the FANCM protein (p.Leu570Phe).

GeneDx
Classification: Uncertain significance. Last evaluated: 2020-09-25. Review status: criteria provided, single submitter. Criteria: GeneDx Variant Classification Process June 2021. Collection method: clinical testing. Allele origin: germline. Affected: yes.
Comment: Not observed in large population cohorts (Lek 2016); In silico analysis supports that this missense variant has a deleterious effect on protein structure/function; Has not been previously published as pathogenic or benign to our knowledge